The following is an entry in ClinVar:

ClinVar aggregate classification (germline): Uncertain significance (1 of 4 stars; one submission).

Conditions:
Nemaline myopathy 2 (NEM2). Also called: Nemaline myopathy 2, autosomal recessive. Identifiers: MedGen C1850569, MONDO:0009725, OMIM 256030.

gnomAD v4.1: 1 of 1,613,682 alleles (0.000062%); highest among the groups gnomAD compares: Non-Finnish European, 0.000085%; no homozygotes.

Submission:

Labcorp Genetics (formerly Invitae), Labcorp
Classification: Uncertain significance for Nemaline myopathy 2. Last evaluated: 2022-05-24. Review status: criteria provided, single submitter. Criteria: Invitae Variant Classification Sherloc (09022015). Collection method: clinical testing. Allele origin: germline.
Comment: This sequence change replaces serine, which is neutral and polar, with phenylalanine, which is neutral and non-polar, at codon 3158 of the NEB protein (p.Ser3158Phe). This variant is present in population databases (rs377606986, gnomAD 0.0009%). This variant has not been reported in the literature in individuals affected with NEB-related conditions. Algorithms developed to predict the effect of missense changes on protein structure and function are either unavailable or do not agree on the potential impact of this missense change (SIFT: "Deleterious"; PolyPhen-2: "Not Available"; Align-GVGD: "Class C0"). In summary, the available evidence is currently insufficient to determine the role of this variant in disease. Therefore, it has been classified as a Variant of Uncertain Significance.

NM_001164508.2(NEB):c.9473C>T (p.Ser3158Phe)

Gene: NEB (nebulin; minus strand). Cytogenetic location: 2q23.3.
Variant type: single nucleotide variant.
Coding change: c.9473C>T on transcript NM_001164508.2 (MANE Select); coding-DNA position 9473, C replaced by T.
Protein change: p.Ser3158Phe; replaces serine 3158 with phenylalanine.
Molecular consequence: missense variant. On other transcripts: intron variant (1).
Genome position (GRCh38, 1-based): chr2:151,631,288, G>A on the plus strand (C>T on the coding strand, the complement: NEB is on the minus strand). VCF-style: chr2-151631288-G-A. GRCh37 (hg19) VCF-style: chr2-152487802-G-A.
Other names: c.9473C>T, p.Ser3158Phe (NM_001164507.2, NM_001271208.2); c.8854-110C>T (NM_004543.5); short protein forms S3158F.
Identifiers: ClinVar variation 2189343 (VCV002189343.1), dbSNP rs377606986, ClinGen allele CA1909312.